The following is an entry in ClinVar:

ClinVar aggregate classification (germline): Uncertain significance (1 of 4 stars; one submission).

Submission:

GeneDx
Classification: Uncertain significance. Last evaluated: 2019-05-28. Review status: criteria provided, single submitter. Criteria: GeneDx Variant Classification Process June 2021. Collection method: clinical testing. Allele origin: germline. Affected: yes.
Comment: Not observed [at a significant frequency] in large population cohorts (Lek et al., 2016); In silico analysis, which includes protein predictors and evolutionary conservation, supports that this variant does not alter protein structure/function; Has not been previously published as pathogenic or benign to our knowledge

NM_198253.3(TERT):c.1765A>C (p.Ile589Leu)

Gene: TERT (telomerase reverse transcriptase; minus strand). Cytogenetic location: 5p15.33.
Variant type: single nucleotide variant.
Coding change: c.1765A>C on transcript NM_198253.3 (MANE Select); coding-DNA position 1765, A replaced by C.
Protein change: p.Ile589Leu; replaces isoleucine 589 with leucine.
Molecular consequence: missense variant. On other transcripts: non-coding transcript variant (2).
Genome position (GRCh38, 1-based): chr5:1,282,433, T>G on the plus strand (A>C on the coding strand, the complement: TERT is on the minus strand). VCF-style: chr5-1282433-T-G. GRCh37 (hg19) VCF-style: chr5-1282548-T-G.
Other names: c.1765A>C, p.Ile589Leu (NM_001193376.3); short protein forms I589L.
Identifiers: ClinVar variation 1320853 (VCV001320853.2), dbSNP rs1561205289, ClinGen allele CA359082755.
Genomic context (GRCh38, chr5:1,282,433, plus strand): 5'-CCGGGCTGGTGTTCCAGGACTTCGAGAAGCAGAGGCCTGGCGTGGGGATACAGTACCTGA[T>G]TCCAATGCTTTGCAACTTGCTCCAGACACTCTTCCGGTAGAAAAAGAGCCTGTTCTTTTG-3'
Protein context (NP_937983.2, residues 579-599): SVWSKLQSIG[Ile589Leu]RQHLKRVQLR